The following is an entry in ClinVar:

NM_198253.3(TERT):c.1743G>T (p.Trp581Cys)

Gene: TERT (telomerase reverse transcriptase; minus strand). Cytogenetic location: 5p15.33.
Variant type: single nucleotide variant.
Coding change: c.1743G>T on transcript NM_198253.3 (MANE Select); coding-DNA position 1743, G replaced by T.
Protein change: p.Trp581Cys; replaces tryptophan 581 with cysteine.
Molecular consequence: missense variant. On other transcripts: non-coding transcript variant (2).
Genome position (GRCh38, 1-based): chr5:1,282,455, C>A on the plus strand (G>T on the coding strand, the complement: TERT is on the minus strand). VCF-style: chr5-1282455-C-A. GRCh37 (hg19) VCF-style: chr5-1282570-C-A.
Other names: c.1743G>T, p.Trp581Cys (NM_001193376.3); short protein forms W581C.
Identifiers: ClinVar variation 966273 (VCV000966273.10), dbSNP rs1750086002, ClinGen allele CA359082859.

ClinVar aggregate classification (germline): Uncertain significance (1 of 4 stars; one submission).

Conditions:
Dyskeratosis congenita, autosomal dominant 2. Identifiers: MedGen C3151443, MONDO:0013521, OMIM 613989.
Idiopathic Pulmonary Fibrosis. Also called: Idiopathic fibrosing alveolitis, chronic form; idiopathic fibrosing alveolitis. Identifiers: Orphanet 2032, MedGen C1800706, MeSH D054990, MONDO:0800504.

Submission:

Labcorp Genetics (formerly Invitae), Labcorp
Classification: Uncertain significance for Dyskeratosis congenita, autosomal dominant 2; Idiopathic Pulmonary Fibrosis. Last evaluated: 2019-11-13. Review status: criteria provided, single submitter. Criteria: Invitae Variant Classification Sherloc (09022015). Collection method: clinical testing. Allele origin: germline.
Comment: This sequence change replaces tryptophan with cysteine at codon 581 of the TERT protein (p.Trp581Cys). The tryptophan residue is highly conserved and there is a large physicochemical difference between tryptophan and cysteine. This variant is not present in population databases (ExAC no frequency). This variant has not been reported in the literature in individuals with TERT-related conditions. Algorithms developed to predict the effect of missense changes on protein structure and function (SIFT, PolyPhen-2, Align-GVGD) all suggest that this variant is likely to be disruptive, but these predictions have not been confirmed by published functional studies and their clinical significance is uncertain. In summary, the available evidence is currently insufficient to determine the role of this variant in disease. Therefore, it has been classified as a Variant of Uncertain Significance.